The following is an entry in ClinVar:

NM_201384.3(PLEC):c.113-311dup

Gene: PLEC (plectin; minus strand). Cytogenetic location: 8q24.3.
Variant type: Duplication.
Coding change: c.113-311dup on transcript NM_201384.3 (MANE Select); 311 bases into the intron before coding-DNA position 113, one base duplicated (G; older notation c.113-311dupG).
Molecular consequence: intron variant.
Genome position (GRCh38, 1-based): chr8:143,938,997, C duplicated on the plus strand (G on the coding strand, the reverse complement: PLEC is on the minus strand); the first of 7 consecutive C bases (chr8:143,938,997-143,939,003); duplicating any one gives the same sequence. VCF-style (leftmost placement, unchanged base first): chr8-143938996-T-TC. GRCh37 (hg19) VCF-style: chr8-145013164-T-TC.
Other names: c.194-311dup (NM_000445.5); c.71-311dup (NM_201378.4); c.47-311dup (NM_201379.3); c.524-311dup (NM_201380.4); c.17-311dup (NM_201381.3); c.113-311dup (NM_201382.4); c.125-311dup (NM_201383.3).
Identifiers: ClinVar variation 683689 (VCV000683689.1), dbSNP rs143293850, ClinGen allele CA187626039.

ClinVar aggregate classification (germline): Benign (1 of 4 stars; one submission).

Submission:

GeneDx
Classification: Benign. Last evaluated: 2018-06-19. Review status: criteria provided, single submitter. Criteria: GeneDx Variant Classification (06012015). Collection method: clinical testing. Allele origin: germline. Affected: yes.
Comment: This variant is considered likely benign or benign based on one or more of the following criteria: it is a conservative change, it occurs at a poorly conserved position in the protein, it is predicted to be benign by multiple in silico algorithms, and/or has population frequency not consistent with disease.